The following is an entry in ClinVar:

ClinVar aggregate classification (germline): Uncertain significance. Review status: criteria provided, multiple submitters, no conflicts (2 of 4 stars). 2 submissions from 2 submitters: Uncertain significance (2). Last evaluated 2025-11-10.

Conditions:
Inborn genetic diseases. Identifiers: MedGen C0950123, MeSH D030342.
Immunodeficiency-centromeric instability-facial anomalies syndrome 2 (ICF2). Identifiers: Orphanet 2268, MedGen C3279748, MONDO:0013553, OMIM 614069.

Allele frequency attached by ClinVar (database versions not stated): gnomAD 0.00001; ExAC 0.00002; gnomAD exomes 0.00004 and 0.00002; TOPMed 0.00002.
gnomAD v4.1: 52 of 1,614,094 alleles (0.0032%); highest among the groups gnomAD compares: Non-Finnish European, 0.0042%; no homozygotes.

Submissions (2):

Ambry Genetics
Classification: Uncertain significance for Inborn genetic diseases. Last evaluated: 2025-11-10. Review status: criteria provided, single submitter. Criteria: Ambry Variant Classification Scheme 2023. Collection method: clinical testing. Allele origin: germline.

Labcorp Genetics (formerly Invitae), Labcorp
Classification: Uncertain significance for Immunodeficiency-centromeric instability-facial anomalies syndrome 2. Last evaluated: 2022-06-20. Review status: criteria provided, single submitter. Criteria: Invitae Variant Classification Sherloc (09022015). Collection method: clinical testing. Allele origin: germline.
Comment: This sequence change replaces glycine, which is neutral and non-polar, with serine, which is neutral and polar, at codon 291 of the ZBTB24 protein (p.Gly291Ser). This variant is present in population databases (rs779905380, gnomAD 0.004%). This variant has not been reported in the literature in individuals affected with ZBTB24-related conditions. Algorithms developed to predict the effect of missense changes on protein structure and function are either unavailable or do not agree on the potential impact of this missense change (SIFT: "Not Available"; PolyPhen-2: "Benign"; Align-GVGD: "Not Available"). In summary, the available evidence is currently insufficient to determine the role of this variant in disease. Therefore, it has been classified as a Variant of Uncertain Significance.

NM_014797.3(ZBTB24):c.871G>A (p.Gly291Ser)

Gene: ZBTB24 (zinc finger and BTB domain containing 24; minus strand). Cytogenetic location: 6q21.
Variant type: single nucleotide variant.
Coding change: c.871G>A on transcript NM_014797.3 (MANE Select); coding-DNA position 871, G replaced by A.
Protein change: p.Gly291Ser; replaces glycine 291 with serine.
Molecular consequence: missense variant.
Genome position (GRCh38, 1-based): chr6:109,481,156, C>T on the plus strand (G>A on the coding strand, the complement: ZBTB24 is on the minus strand). VCF-style: chr6-109481156-C-T. GRCh37 (hg19) VCF-style: chr6-109802359-C-T.
Other names: c.871G>A (NM_014797.2); c.871G>A, p.Gly291Ser (NM_001164313.2); short protein forms G291S.
Identifiers: ClinVar variation 1392595 (VCV001392595.7), dbSNP rs779905380, ClinGen allele CA3954265.